The following is an entry in ClinVar:

ClinVar aggregate classification (germline): Uncertain significance (1 of 4 stars; one submission).

Conditions:
Ullrich congenital muscular dystrophy 2 (UCMD2). Identifiers: Orphanet 75840, MedGen C4225314, MONDO:0014654, OMIM 616470.
Bethlem myopathy 2 (BTHLM2). Identifiers: Orphanet 536516, Orphanet 610, MedGen C4225313, MONDO:0034022, OMIM 616471.

Submission:

Labcorp Genetics (formerly Invitae), Labcorp
Classification: Uncertain significance for Bethlem myopathy 2; Ullrich congenital muscular dystrophy 2. Last evaluated: 2023-02-03. Review status: criteria provided, single submitter. Criteria: Invitae Variant Classification Sherloc (09022015). Collection method: clinical testing. Allele origin: unknown.
Comment: In summary, the available evidence is currently insufficient to determine the role of this variant in disease. Therefore, it has been classified as a Variant of Uncertain Significance. Experimental studies and prediction algorithms are not available or were not evaluated, and the functional significance of this variant is currently unknown. This variant has not been reported in the literature in individuals affected with COL12A1-related conditions. This variant results in a copy number gain of the genomic region encompassing exon(s) 1-47 of the COL12A1 gene. This region includes the initiator codon of the gene. This copy number gain extends beyond the assayed region for this gene and therefore may encompass additional genes. As the precise location of this event is unknown, it may be in tandem or it may be located elsewhere in the genome.

NC_000006.11:g.(?_75827078)_(76640888_?)dup

Genes: COL12A1 (collagen type XII alpha 1 chain; minus strand), COX7A2 (cytochrome c oxidase subunit 7A2; minus strand), FILIP1 (filamin A interacting protein 1; minus strand), IMPG1 (interphotoreceptor matrix proteoglycan 1; minus strand), MYO6 (myosin VI; plus strand) and 2 more. Cytogenetic location: 6q13-14.1.
Variant type: Duplication.
Identifiers: ClinVar variation 3246043 (VCV003246043.1).